The following is an entry in ClinVar:

NM_001735.3(C5):c.1996+3A>T

Gene: C5 (complement C5; minus strand). Cytogenetic location: 9q33.2.
Variant type: single nucleotide variant.
Coding change: c.1996+3A>T on transcript NM_001735.3 (MANE Select); 3 bases into the intron after coding-DNA position 1996, A replaced by T.
Molecular consequence: intron variant.
Genome position (GRCh38, 1-based): chr9:121,016,251, T>A on the plus strand (A>T on the coding strand, the complement: C5 is on the minus strand). VCF-style: chr9-121016251-T-A. GRCh37 (hg19) VCF-style: chr9-123778529-T-A.
Other names: c.2014+3A>T (NM_001317163.2); c.1996+3A>T (NM_001317164.2).
Identifiers: ClinVar variation 1377764 (VCV001377764.6), dbSNP rs1410015079, ClinGen allele CA590210607.

ClinVar aggregate classification (germline): Uncertain significance (1 of 4 stars; one submission).

Allele frequency attached by ClinVar (database versions not stated): gnomAD exomes below 0.00001; TOPMed below 0.00001; gnomAD 0.00001.
gnomAD v4.1: 2 of 1,613,874 alleles (0.00012%); highest among the groups gnomAD compares: African/African-American, 0.0013%; no homozygotes.

Submission:

Labcorp Genetics (formerly Invitae), Labcorp
Classification: Uncertain significance. Last evaluated: 2021-06-24. Review status: criteria provided, single submitter. Criteria: Invitae Variant Classification Sherloc (09022015). Collection method: clinical testing. Allele origin: germline.
Comment: In summary, the available evidence is currently insufficient to determine the role of this variant in disease. Therefore, it has been classified as a Variant of Uncertain Significance. Nucleotide substitutions within the consensus splice site are a relatively common cause of aberrant splicing (PMID: 17576681, 9536098). Algorithms developed to predict the effect of sequence changes on RNA splicing suggest that this variant may disrupt the consensus splice site, but this prediction has not been confirmed by published transcriptional studies. This variant has not been reported in the literature in individuals with C5-related conditions. This variant is not present in population databases (ExAC no frequency). This sequence change falls in intron 15 of the C5 gene. It does not directly change the encoded amino acid sequence of the C5 protein. It affects a nucleotide within the consensus splice site of the intron.

Literature cited by the submitters: PubMed 17576681; PubMed 9536098.